The following is an entry in ClinVar:

ClinVar aggregate classification (germline): Uncertain significance. Review status: criteria provided, multiple submitters, no conflicts (2 of 4 stars). 2 submissions from 2 submitters: Uncertain significance (2). Last evaluated 2025-07-31.

Conditions:
Inborn genetic diseases. Identifiers: MedGen C0950123, MeSH D030342.

Allele frequency attached by ClinVar (database versions not stated): gnomAD exomes below 0.00001.
gnomAD v4.1: 1 of 1,442,812 alleles (0.000069%); highest among the groups gnomAD compares: Non-Finnish European, 0.000091%; no homozygotes.

Submissions (2):

Labcorp Genetics (formerly Invitae), Labcorp
Classification: Uncertain significance. Last evaluated: 2025-07-31. Review status: criteria provided, single submitter. Criteria: Invitae Variant Classification Sherloc (09022015). Collection method: clinical testing. Allele origin: germline.
Comment: This sequence change replaces glutamic acid, which is acidic and polar, with glycine, which is neutral and non-polar, at codon 113 of the LMNB1 protein (p.Glu113Gly). This variant is not present in population databases (gnomAD no frequency). This variant has not been reported in the literature in individuals affected with LMNB1-related conditions. ClinVar contains an entry for this variant (Variation ID: 2307987). Invitae Evidence Modeling of protein sequence and biophysical properties (such as structural, functional, and spatial information, amino acid conservation, physicochemical variation, residue mobility, and thermodynamic stability) indicates that this missense variant is expected to disrupt LMNB1 protein function with a positive predictive value of 80%. In summary, the available evidence is currently insufficient to determine the role of this variant in disease. Therefore, it has been classified as a Variant of Uncertain Significance.

Ambry Genetics
Classification: Uncertain significance for Inborn genetic diseases. Last evaluated: 2022-08-17. Review status: criteria provided, single submitter. Criteria: Ambry Variant Classification Scheme 2023. Collection method: clinical testing. Allele origin: germline.

NM_005573.4(LMNB1):c.338A>G (p.Glu113Gly)

Gene: LMNB1 (lamin B1; plus strand). Cytogenetic location: 5q23.2.
Variant type: single nucleotide variant.
Coding change: c.338A>G on transcript NM_005573.4 (MANE Select); coding-DNA position 338, A replaced by G.
Protein change: p.Glu113Gly; replaces glutamic acid 113 with glycine.
Molecular consequence: missense variant. On other transcripts: non-coding transcript variant (1), intron variant (1).
Genome position (GRCh38, 1-based): chr5:126,777,846, A>G. VCF-style: chr5-126777846-A-G. GRCh37 (hg19) VCF-style: chr5-126113538-A-G.
Other names: c.-272+602A>G (NM_001198557.2); short protein forms E113G.
Identifiers: ClinVar variation 2307987 (VCV002307987.3), dbSNP rs2479405763, ClinGen allele CA360726110.